The following is an entry in ClinVar:

NM_000384.3(APOB):c.1882A>G (p.Met628Val)

Gene: APOB (apolipoprotein B; minus strand). Cytogenetic location: 2p24.1.
Variant type: single nucleotide variant.
Coding change: c.1882A>G on transcript NM_000384.3 (MANE Select); coding-DNA position 1882, A replaced by G.
Protein change: p.Met628Val; replaces methionine 628 with valine.
Molecular consequence: missense variant.
Genome position (GRCh38, 1-based): chr2:21,028,013, T>C on the plus strand (A>G on the coding strand, the complement: APOB is on the minus strand). VCF-style: chr2-21028013-T-C. GRCh37 (hg19) VCF-style: chr2-21250885-T-C.
Other names: short protein forms M628V.
Identifiers: ClinVar variation 2485740 (VCV002485740.5), dbSNP rs756884638, ClinGen allele CA346013832.
Genomic context (GRCh38, chr2:21,028,013, plus strand): 5'-GTGATGGAAGAGAAACAGATTTGTAGAGTTGATAGTTCCGAGAGAATTTTCTGAAGTCCA[T>C]GACAGTTGGAAGTTGAGATTCTTTCAGAGCTTCTTTCACTAACTTTTTCAGACTAGATAA-3'
Protein context (NP_000375.3, residues 618-638): ALKESQLPTV[Met628Val]DFRKFSRNYQ

ClinVar aggregate classification (germline): Uncertain significance. Review status: criteria provided, multiple submitters, no conflicts (2 of 4 stars). 3 submissions from 3 submitters: Uncertain significance (2). 1 of the submissions does not count toward it. Last evaluated 2026-08-03.

Conditions:
APOB-related disorder. Also called: APOB-related condition; APOB-related disorders.
Familial hypobetalipoproteinemia 1. Also called: APOB-Related Familial Hypobetalipoproteinemia; Hypobetalipoproteinemia, normotriglyceridemic; Acanthocytosis with hypobetalipoproteinemia. Identifiers: MedGen C4551990, MONDO:0014252, OMIM 615558.
Hypercholesterolemia, autosomal dominant, type B (FHCL2). Also called: Hyperlipoproteinemia Type IIb; Familial Hypercholesterolemia Type B; APOLIPOPROTEIN B-100, FAMILIAL DEFECTIVE; APOLIPOPROTEIN B-100, FAMILIAL LIGAND-DEFECTIVE; HYPERCHOLESTEROLEMIA, FAMILIAL, DUE TO LIGAND-DEFECTIVE APOLIPOPROTEIN B; Familial hypercholesterolemia 2. Identifiers: MedGen C1704417, MONDO:0007751, OMIM 144010.
Cardiovascular phenotype. Identifiers: MedGen CN230736.

Allele frequency attached by ClinVar (database versions not stated): gnomAD 0.00001; TOPMed 0.00001.
gnomAD v4.1: 5 of 1,613,950 alleles (0.00031%); highest among the groups gnomAD compares: Non-Finnish European, 0.00042%; no homozygotes.

Submissions (3):

Ambry Genetics
Classification: Uncertain significance for Cardiovascular phenotype. Last evaluated: 2026-08-03. Review status: criteria provided, single submitter. Criteria: Ambry Variant Classification Scheme 2023. Collection method: clinical testing. Allele origin: germline.
Comment: The p.M628V variant (also known as c.1882A>G), located in coding exon 14 of the APOB gene, results from an A to G substitution at nucleotide position 1882. The methionine at codon 628 is replaced by valine, an amino acid with highly similar properties. This amino acid position is conserved. In addition, this alteration is predicted to be tolerated by in silico analysis. Based on the available evidence, the clinical significance of this variant remains unclear.

Labcorp Genetics (formerly Invitae), Labcorp
Classification: Uncertain significance for Familial hypobetalipoproteinemia 1; Hypercholesterolemia, autosomal dominant, type B. Last evaluated: 2025-12-04. Review status: criteria provided, single submitter. Criteria: Invitae Variant Classification Sherloc (09022015). Collection method: clinical testing. Allele origin: germline.
Comment: This sequence change replaces methionine, which is neutral and non-polar, with valine, which is neutral and non-polar, at codon 628 of the APOB protein (p.Met628Val). This variant is not present in population databases (gnomAD no frequency). This variant has not been reported in the literature in individuals affected with APOB-related conditions. ClinVar contains an entry for this variant (Variation ID: 2485740). Invitae Evidence Modeling of protein sequence and biophysical properties (such as structural, functional, and spatial information, amino acid conservation, physicochemical variation, residue mobility, and thermodynamic stability) indicates that this missense variant is not expected to disrupt APOB protein function with a negative predictive value of 95%. In summary, the available evidence is currently insufficient to determine the role of this variant in disease. Therefore, it has been classified as a Variant of Uncertain Significance.

PreventionGenetics, part of Exact Sciences
Classification: Uncertain significance for APOB-related condition. Last evaluated: 2024-06-30. Review status: no assertion criteria provided. Collection method: clinical testing. Allele origin: germline. Not counted in ClinVar's aggregate classification.
Comment: The APOB c.1882A>G variant is predicted to result in the amino acid substitution p.Met628Val. To our knowledge, this variant has not been reported in the literature or in a large population database, indicating this variant is rare. At this time, the clinical significance of this variant is uncertain due to the absence of conclusive functional and genetic evidence.